The following is an entry in ClinVar:

ClinVar aggregate classification (germline): Uncertain significance (1 of 4 stars; one submission).

Conditions:
Emery-Dreifuss muscular dystrophy 4, autosomal dominant (EDMD4). Also called: EMERY-DREIFUSS MUSCULAR DYSTROPHY 4 WITH VARIABLE FEATURES. Identifiers: Orphanet 261, MedGen C2751807, MONDO:0013071, OMIM 612998.
Autosomal recessive ataxia, Beauce type. Also called: SYNE1 Deficiency; Spinocerebellar ataxia, autosomal recessive 8; ATAXIA, RECESSIVE, OF BEAUCE; SYNE1-Related Autosomal Recessive Cerebellar Ataxia. Identifiers: Orphanet 88644, MedGen C1853116, MONDO:0012549, OMIM 610743.

Submission:

Labcorp Genetics (formerly Invitae), Labcorp
Classification: Uncertain significance for Emery-Dreifuss muscular dystrophy 4, autosomal dominant; Autosomal recessive ataxia, Beauce type. Last evaluated: 2023-06-20. Review status: criteria provided, single submitter. Criteria: Invitae Variant Classification Sherloc (09022015). Collection method: clinical testing. Allele origin: germline.
Comment: In summary, the available evidence is currently insufficient to determine the role of this variant in disease. Therefore, it has been classified as a Variant of Uncertain Significance. An algorithm developed to predict the effect of missense changes on protein structure and function (PolyPhen-2) suggests that this variant is likely to be disruptive. ClinVar contains an entry for this variant (Variation ID: 2085848). This variant has not been reported in the literature in individuals affected with SYNE1-related conditions. The frequency data for this variant in the population databases is considered unreliable, as metrics indicate poor data quality at this position in the gnomAD database. This sequence change replaces methionine, which is neutral and non-polar, with lysine, which is basic and polar, at codon 1603 of the SYNE1 protein (p.Met1603Lys).

NM_182961.4(SYNE1):c.4787T>A (p.Met1596Lys)

Gene: SYNE1 (spectrin repeat containing nuclear envelope protein 1; minus strand). Cytogenetic location: 6q25.2.
Variant type: single nucleotide variant.
Coding change: c.4787T>A on transcript NM_182961.4 (MANE Select); coding-DNA position 4787, T replaced by A.
Protein change: p.Met1596Lys; replaces methionine 1596 with lysine.
Molecular consequence: missense variant.
Genome position (GRCh38, 1-based): chr6:152,430,113, A>T on the plus strand (T>A on the coding strand, the complement: SYNE1 is on the minus strand). VCF-style: chr6-152430113-A-T. GRCh37 (hg19) VCF-style: chr6-152751248-A-T.
Other names: c.4808T>A, p.Met1603Lys (NM_033071.5); short protein forms M1596K, M1603K.
Identifiers: ClinVar variation 2085848 (VCV002085848.4), dbSNP rs1265813828, ClinGen allele CA366141289.
Genomic context (GRCh38, chr6:152,430,113, plus strand): 5'-AGTGGGAATTATCAAATTTTAAGTTGGTAAATAGTAGAAATGTTGAAGCATACTCTTACC[A>T]TATGTTCTTGAAGAACTTTGTATGTTTCTGTAGCTGAAGAACATATTTTAATTGGAACAG-3'
Protein context (NP_892006.3, residues 1586-1606): TETYKVLQEH[Met1596Lys]DLCQALESLS